The following is an entry in ClinVar:

ClinVar aggregate classification (germline): Uncertain significance (1 of 4 stars; one submission).

Submission:

Labcorp Genetics (formerly Invitae), Labcorp
Classification: Uncertain significance. Last evaluated: 2022-05-03. Review status: criteria provided, single submitter. Criteria: Invitae Variant Classification Sherloc (09022015). Collection method: clinical testing. Allele origin: germline.
Comment: In summary, the available evidence is currently insufficient to determine the role of this variant in disease. Therefore, it has been classified as a Variant of Uncertain Significance. Algorithms developed to predict the effect of sequence changes on RNA splicing suggest that this variant is not likely to affect RNA splicing. This variant has not been reported in the literature in individuals affected with LRP2-related conditions. This variant is not present in population databases (gnomAD no frequency). This sequence change affects codon 3962 of the LRP2 mRNA. It is a 'silent' change, meaning that it does not change the encoded amino acid sequence of the LRP2 protein. It affects a nucleotide within the consensus splice site.

NM_004525.3(LRP2):c.11886C>T (p.Cys3962=)

Gene: LRP2 (LDL receptor related protein 2; minus strand). Cytogenetic location: 2q31.1.
Variant type: single nucleotide variant.
Coding change: c.11886C>T on transcript NM_004525.3 (MANE Select); coding-DNA position 11886, C replaced by T.
Protein change: p.Cys3962=; no amino-acid change (cysteine 3962 retained).
Molecular consequence: synonymous variant.
Genome position (GRCh38, 1-based): chr2:169,162,473, G>A on the plus strand (C>T on the coding strand, the complement: LRP2 is on the minus strand). VCF-style: chr2-169162473-G-A. GRCh37 (hg19) VCF-style: chr2-170018983-G-A.
Identifiers: ClinVar variation 2133164 (VCV002133164.4), dbSNP rs2545699782, ClinGen allele CA429924643.